The following is an entry in ClinVar:

NM_000088.4(COL1A1):c.696+5G>A

Gene: COL1A1 (collagen type I alpha 1 chain; minus strand). Cytogenetic location: 17q21.33.
Variant type: single nucleotide variant.
Coding change: c.696+5G>A on transcript NM_000088.4 (MANE Select); 5 bases into the intron after coding-DNA position 696, G replaced by A.
Molecular consequence: intron variant.
Genome position (GRCh38, 1-based): chr17:50,197,727, C>T on the plus strand (G>A on the coding strand, the complement: COL1A1 is on the minus strand). VCF-style: chr17-50197727-C-T. GRCh37 (hg19) VCF-style: chr17-48275088-C-T.
Identifiers: ClinVar variation 2725533 (VCV002725533.3), dbSNP rs1217584095, ClinGen allele CA772775263.
Genomic context (GRCh38, chr17:50,197,727, plus strand): 5'-AATTGCAGGACCCAACCCATGGAGGCCATGGGGTCAGATGGTATCTTCTTGCTGGGGATA[C>T]TTACATCATCTCCATTCTTTCCAGGGGGACCTGGGGGACCTCGGGGACCCATGGGACCCT-3'

ClinVar aggregate classification (germline): Uncertain significance (1 of 4 stars; one submission).

Conditions:
Osteogenesis imperfecta type I (OI1). Also called: Lobstein's Disease; Lobstein disease; Classic Non-deforming Osteogenesis Imperfecta with Blue Sclerae; OI, TYPE I; OSTEOGENESIS IMPERFECTA TARDA; OSTEOGENESIS IMPERFECTA WITH BLUE SCLERAE. Identifiers: Orphanet 216796, Orphanet 666, MedGen C0023931, MONDO:0008146, OMIM 166200. Disease mechanism: loss of function.

Allele frequency attached by ClinVar (database versions not stated): TOPMed below 0.00001; gnomAD 0.00001.
gnomAD v4.1: 1 of 1,583,284 alleles (0.000063%); highest among the groups gnomAD compares: Non-Finnish European, 0.000086%; no homozygotes.

Submission:

Labcorp Genetics (formerly Invitae), Labcorp
Classification: Uncertain significance for Osteogenesis imperfecta type I. Last evaluated: 2023-08-08. Review status: criteria provided, single submitter. Criteria: Invitae Variant Classification Sherloc (09022015). Collection method: clinical testing. Allele origin: germline.
Comment: This variant has not been reported in the literature in individuals affected with COL1A1-related conditions. Variants that disrupt the consensus splice site are a relatively common cause of aberrant splicing (PMID: 17576681, 9536098). Algorithms developed to predict the effect of sequence changes on RNA splicing suggest that this variant may disrupt the consensus splice site. In summary, the available evidence is currently insufficient to determine the role of this variant in disease. Therefore, it has been classified as a Variant of Uncertain Significance. This variant is not present in population databases (gnomAD no frequency). This sequence change falls in intron 9 of the COL1A1 gene. It does not directly change the encoded amino acid sequence of the COL1A1 protein. It affects a nucleotide within the consensus splice site.

Literature cited by the submitters: PubMed 17576681; PubMed 9536098.